The following is an entry in ClinVar:

NM_032043.3(BRIP1):c.676A>G (p.Ser226Gly)

Gene: BRIP1 (BRCA1 interacting DNA helicase 1; minus strand). Cytogenetic location: 17q23.2.
Variant type: single nucleotide variant.
Coding change: c.676A>G on transcript NM_032043.3 (MANE Select); coding-DNA position 676, A replaced by G.
Protein change: p.Ser226Gly; replaces serine 226 with glycine.
Molecular consequence: missense variant.
Genome position (GRCh38, 1-based): chr17:61,808,709, T>C on the plus strand (A>G on the coding strand, the complement: BRIP1 is on the minus strand). VCF-style: chr17-61808709-T-C. GRCh37 (hg19) VCF-style: chr17-59886070-T-C.
Other names: short protein forms S226G.
Identifiers: ClinVar variation 1755329 (VCV001755329.3), dbSNP rs2545199796, ClinGen allele CA400485153.

ClinVar aggregate classification (germline): Uncertain significance. Review status: criteria provided, multiple submitters, no conflicts (2 of 4 stars). 2 submissions from 2 submitters: Uncertain significance (2). Last evaluated 2023-11-12.

Conditions:
Hereditary cancer-predisposing syndrome. Also called: Neoplastic Syndromes, Hereditary; Tumor predisposition; Hereditary Cancer Syndrome; Hereditary neoplastic syndrome. Identifiers: Orphanet 140162, MedGen C0027672, MeSH D009386, MONDO:0015356.
Familial cancer of breast. Also called: BREAST CANCER, FAMILIAL; hereditary breast carcinoma; Hereditary breast cancer. Identifiers: Orphanet 227535, MedGen C0346153, MONDO:0016419, OMIM 114480. Disease mechanism: loss of function.

Submissions (2):

Baylor Genetics
Classification: Uncertain significance for Familial cancer of breast. Last evaluated: 2023-11-12. Review status: criteria provided, single submitter. Criteria: ACMG Guidelines, 2015. Collection method: clinical testing. Allele origin: unknown.

Ambry Genetics
Classification: Uncertain significance for Hereditary cancer-predisposing syndrome. Last evaluated: 2022-05-07. Review status: criteria provided, single submitter. Criteria: Ambry Variant Classification Scheme 2023. Collection method: clinical testing. Allele origin: germline.
Comment: The p.S226G variant (also known as c.676A>G), located in coding exon 6 of the BRIP1 gene, results from an A to G substitution at nucleotide position 676. The serine at codon 226 is replaced by glycine, an amino acid with similar properties. This amino acid position is conserved. In addition, this alteration is predicted to be tolerated by in silico analysis. Since supporting evidence is limited at this time, the clinical significance of this alteration remains unclear.